The following is an entry in ClinVar:

ClinVar aggregate classification (germline): Uncertain significance (0 of 4 stars; one submission).

Conditions:
UCP3-related disorder. Also called: UCP3-related condition.

Allele frequency attached by ClinVar (database versions not stated): gnomAD exomes below 0.00001; ExAC 0.00002.

Submission:

PreventionGenetics, part of Exact Sciences
Classification: Uncertain significance for UCP3-related condition. Last evaluated: 2023-12-27. Review status: no assertion criteria provided. Collection method: clinical testing. Allele origin: germline.
Comment: The UCP3 c.799G>A variant is predicted to result in the amino acid substitution p.Glu267Lys. To our knowledge, this variant has not been reported in the literature. This variant is reported in 0.0066% of alleles in individuals of South Asian descent in gnomAD. At this time, the clinical significance of this variant is uncertain due to the absence of conclusive functional and genetic evidence.

NM_003356.4(UCP3):c.799G>A (p.Glu267Lys)

Gene: UCP3 (uncoupling protein 3; minus strand). Cytogenetic location: 11q13.4.
Variant type: single nucleotide variant.
Coding change: c.799G>A on transcript NM_003356.4 (MANE Select); coding-DNA position 799, G replaced by A.
Protein change: p.Glu267Lys; replaces glutamic acid 267 with lysine.
Molecular consequence: missense variant.
Genome position (GRCh38, 1-based): chr11:74,003,852, C>T on the plus strand (G>A on the coding strand, the complement: UCP3 is on the minus strand). VCF-style: chr11-74003852-C-T. GRCh37 (hg19) VCF-style: chr11-73714897-C-T.
Other names: c.799G>A, p.Glu267Lys (NM_022803.3); short protein forms E267K.
Identifiers: ClinVar variation 3031229 (VCV003031229.2), dbSNP rs745655557, ClinGen allele CA6181358.